The following is an entry in ClinVar:

ClinVar aggregate classification (germline): Pathogenic (1 of 4 stars; one submission).

Submission:

Labcorp Genetics (formerly Invitae), Labcorp
Classification: Pathogenic. Last evaluated: 2025-06-27. Review status: criteria provided, single submitter. Criteria: Invitae Variant Classification Sherloc (09022015). Collection method: clinical testing. Allele origin: germline.
Comment: This sequence change creates a premature translational stop signal (p.Thr1722Hisfs*65) in the ABCA4 gene. It is expected to result in an absent or disrupted protein product. Loss-of-function variants in ABCA4 are known to be pathogenic (PMID: 10958761, 24938718, 25312043, 26780318). This variant is not present in population databases (gnomAD no frequency). This premature translational stop signal has been observed in individual(s) with Stargardt disease (PMID: 38282009). For these reasons, this variant has been classified as Pathogenic.

Literature cited by the submitters: PubMed 10958761; PubMed 24938718; PubMed 25312043; PubMed 26780318; PubMed 38282009.

NM_000350.3(ABCA4):c.5163dup (p.Thr1722fs)

Gene: ABCA4 (ATP binding cassette subfamily A member 4; minus strand). Cytogenetic location: 1p22.1.
Variant type: Duplication.
Coding change: c.5163dup on transcript NM_000350.3 (MANE Select); coding-DNA position 5163, one base duplicated (C; older notation c.5163dupC).
Protein change: p.Thr1722fs; shifts the reading frame from threonine 1722.
Molecular consequence: frameshift variant.
Genome position (GRCh38, 1-based): chr1:94,019,615, G duplicated on the plus strand (C on the coding strand, the reverse complement: ABCA4 is on the minus strand); the first of 2 consecutive G bases (chr1:94,019,615-94,019,616); duplicating either gives the same sequence. VCF-style (leftmost placement, unchanged base first): chr1-94019614-T-TG. GRCh37 (hg19) VCF-style: chr1-94485170-T-TG.
Other names: c.4941dup, p.Thr1648fs (NM_001425324.1); short protein forms T1648fs, T1722fs.
Identifiers: ClinVar variation 4710677 (VCV004710677.1).